The following is an entry in ClinVar:

NM_004311.4(ARL3):c.22C>T (p.Arg8Cys)

Gene: ARL3 (ARF like GTPase 3; minus strand). Cytogenetic location: 10q24.32.
Variant type: single nucleotide variant.
Coding change: c.22C>T on transcript NM_004311.4 (MANE Select); coding-DNA position 22, C replaced by T.
Protein change: p.Arg8Cys; replaces arginine 8 with cysteine.
Molecular consequence: missense variant.
Genome position (GRCh38, 1-based): chr10:102,705,471, G>A on the plus strand (C>T on the coding strand, the complement: ARL3 is on the minus strand). VCF-style: chr10-102705471-G-A. GRCh37 (hg19) VCF-style: chr10-104465228-G-A.
Other names: short protein forms R8C.
Identifiers: ClinVar variation 962324 (VCV000962324.13), dbSNP rs879916814, ClinGen allele CA212266274.

ClinVar aggregate classification (germline): Uncertain significance. Review status: criteria provided, multiple submitters, no conflicts (2 of 4 stars). 3 submissions from 3 submitters: Uncertain significance (3). Last evaluated 2025-11-08.

Conditions:
Inborn genetic diseases. Identifiers: MedGen C0950123, MeSH D030342.

Allele frequency attached by ClinVar (database versions not stated): gnomAD exomes below 0.00001 and 0.00002; gnomAD 0.00001; TOPMed 0.00003.
gnomAD v4.1: 33 of 1,597,688 alleles (0.0021%); highest among the groups gnomAD compares: Non-Finnish European, 0.0027%; no homozygotes.

Submissions (3):

Labcorp Genetics (formerly Invitae), Labcorp
Classification: Uncertain significance. Last evaluated: 2025-11-08. Review status: criteria provided, single submitter. Criteria: Invitae Variant Classification Sherloc (09022015). Collection method: clinical testing. Allele origin: germline.
Comment: This sequence change replaces arginine, which is basic and polar, with cysteine, which is neutral and slightly polar, at codon 8 of the ARL3 protein (p.Arg8Cys). The frequency data for this variant in the population databases is considered unreliable, as metrics indicate poor data quality at this position in the gnomAD database. This variant has not been reported in the literature in individuals affected with ARL3-related conditions. ClinVar contains an entry for this variant (Variation ID: 962324). An algorithm developed to predict the effect of missense changes on protein structure and function (PolyPhen-2) suggests that this variant is likely to be disruptive. In summary, the available evidence is currently insufficient to determine the role of this variant in disease. Therefore, it has been classified as a Variant of Uncertain Significance.

Ambry Genetics
Classification: Uncertain significance for Inborn genetic diseases. Last evaluated: 2025-07-31. Review status: criteria provided, single submitter. Criteria: Ambry Variant Classification Scheme 2023. Collection method: clinical testing. Allele origin: germline.

Blueprint Genetics
Classification: Uncertain significance. Last evaluated: 2018-09-27. Review status: criteria provided, single submitter. Criteria: ACMG Guidelines, 2015. Collection method: clinical testing. Allele origin: germline.